The following is an entry in ClinVar:

NM_170606.3(KMT2C):c.6058C>T (p.Gln2020Ter)

Gene: KMT2C (lysine methyltransferase 2C; minus strand). Cytogenetic location: 7q36.1.
Variant type: single nucleotide variant.
Coding change: c.6058C>T on transcript NM_170606.3 (MANE Select); coding-DNA position 6058, C replaced by T.
Protein change: p.Gln2020Ter; replaces glutamine 2020 with a stop codon.
Molecular consequence: nonsense.
Genome position (GRCh38, 1-based): chr7:152,181,802, G>A on the plus strand (C>T on the coding strand, the complement: KMT2C is on the minus strand). VCF-style: chr7-152181802-G-A. GRCh37 (hg19) VCF-style: chr7-151878887-G-A.
Other names: short protein forms Q2020*.
Identifiers: ClinVar variation 4884965 (VCV004884965.2).

ClinVar aggregate classification (germline): Likely pathogenic (1 of 4 stars; one submission).

Submission:

Dasa
Classification: Likely pathogenic. Last evaluated: 2026-01-22. Review status: criteria provided, single submitter. Criteria: DASA Assertion Criteria. Collection method: clinical testing. Allele origin: germline.
Comment: NM_170606.3(KMT2C):c.6058C>T (p.Gln2020*) is a nonsense variant in KMT2C predicted to introduce a premature termination codon and is predicted to result in an absent or altered protein product. Loss of function is an established disease mechanism for KMT2C (PMID: 23375656; PMID: 22726846; PMID: 29069077). Also, this variant is absent from population databases. Based on the currently available evidence, this variant is classified as likely pathogenic.

Literature cited by the submitters: PubMed 23375656; PubMed 22726846; PubMed 29069077.